The following is an entry in ClinVar:

ClinVar aggregate classification (germline): Uncertain significance (1 of 4 stars; one submission).

Conditions:
Autosomal dominant epilepsy with auditory features. Identifiers: Orphanet 101046, MedGen C1838062, MONDO:0010898.

Submission:

Labcorp Genetics (formerly Invitae), Labcorp
Classification: Uncertain significance for Autosomal dominant epilepsy with auditory features. Last evaluated: 2017-02-14. Review status: criteria provided, single submitter. Criteria: Invitae Variant Classification Sherloc (09022015). Collection method: clinical testing. Allele origin: germline.
Comment: This variant is not present in population databases (ExAC no frequency) and has not been reported in the literature in individuals with an LGI1-related disease. This sequence change replaces valine with alanine at codon 457 of the LGI1 protein (p.Val457Ala). The valine residue is highly conserved and there is a small physicochemical difference between valine and alanine. Algorithms developed to predict the effect of missense changes on protein structure and function (SIFT, PolyPhen-2, Align-GVGD) all suggest that this variant is likely to be disruptive, but these predictions have not been confirmed by published functional studies. In summary, this variant is a novel missense change with uncertain impact on protein function. It has been classified as a Variant of Uncertain Significance.

NM_005097.4(LGI1):c.1370T>C (p.Val457Ala)

Gene: LGI1 (leucine rich glioma inactivated 1; plus strand). Cytogenetic location: 10q23.33.
Variant type: single nucleotide variant.
Coding change: c.1370T>C on transcript NM_005097.4 (MANE Select); coding-DNA position 1370, T replaced by C.
Protein change: p.Val457Ala; replaces valine 457 with alanine.
Molecular consequence: missense variant. On other transcripts: non-coding transcript variant (1), intron variant (1).
Genome position (GRCh38, 1-based): chr10:93,797,499, T>C. VCF-style: chr10-93797499-T-C. GRCh37 (hg19) VCF-style: chr10-95557256-T-C.
Other names: c.1226T>C, p.Val409Ala (NM_001308276.2); c.839-250T>C (NM_001308275.2); short protein forms V457A, V409A.
Identifiers: ClinVar variation 464745 (VCV000464745.10), dbSNP rs1554907821, ClinGen allele CA377629393.